The following is an entry in ClinVar:

NM_014915.3(ANKRD26):c.4825C>T (p.Pro1609Ser)

Gene: ANKRD26 (ankyrin repeat domain 26; minus strand). Cytogenetic location: 10p12.1.
Variant type: single nucleotide variant.
Coding change: c.4825C>T on transcript NM_014915.3 (MANE Select); coding-DNA position 4825, C replaced by T.
Protein change: p.Pro1609Ser; replaces proline 1609 with serine.
Molecular consequence: missense variant.
Genome position (GRCh38, 1-based): chr10:27,013,010, G>A on the plus strand (C>T on the coding strand, the complement: ANKRD26 is on the minus strand). VCF-style: chr10-27013010-G-A. GRCh37 (hg19) VCF-style: chr10-27301939-G-A.
Other names: c.4822C>T, p.Pro1608Ser (NM_001256053.2); short protein forms P1608S, P1609S.
Identifiers: ClinVar variation 5023033 (VCV005023033.1).
Genomic context (GRCh38, chr10:27,013,010, plus strand): 5'-CTCTTGGAATAAGTTTTCTGTTGAGATCTAAACTATTATTAAGATTTCCCACACAAGGTG[G>A]CTCCATGACTGGCCTGGTAGTGAGAGTGGTGAACAAAGATCTGCTCTGCTGTTTTTCCAC-3'
Protein context (NP_055730.2, residues 1599-1619): TTLTTRPVME[Pro1609Ser]PCVGNLNNSL

ClinVar aggregate classification (germline): Uncertain significance (1 of 4 stars; one submission).

Conditions:
Inborn genetic diseases. Identifiers: MedGen C0950123, MeSH D030342.

Submission:

Ambry Genetics
Classification: Uncertain significance for Inborn genetic diseases. Last evaluated: 2026-07-13. Review status: criteria provided, single submitter. Criteria: Ambry Variant Classification Scheme 2023. Collection method: clinical testing. Allele origin: germline.
Comment: The p.P1609S variant (also known as c.4825C>T), located in coding exon 32 of the ANKRD26 gene, results from a C to T substitution at nucleotide position 4825. The proline at codon 1609 is replaced by serine, an amino acid with similar properties. This amino acid position is conserved. In addition, this alteration is predicted to be tolerated by in silico analysis. Based on the available evidence, the clinical significance of this variant remains unclear.